The following is an entry in ClinVar:

ClinVar aggregate classification (germline): Uncertain significance (1 of 4 stars; one submission).

Allele frequency attached by ClinVar (database versions not stated): gnomAD exomes 0.00001 and 0.00003; ExAC 0.00005; gnomAD 0.00009 and 0.00011; TOPMed 0.00012; ESP Exome Variant Server 0.00031.
gnomAD v4.1: 25 of 1,614,092 alleles (0.0015%); highest among the groups gnomAD compares: African/African-American, 0.033%; no homozygotes.

Submission:

Labcorp Genetics (formerly Invitae), Labcorp
Classification: Uncertain significance. Last evaluated: 2024-11-05. Review status: criteria provided, single submitter. Criteria: Invitae Variant Classification Sherloc (09022015). Collection method: clinical testing. Allele origin: germline.
Comment: This sequence change replaces glutamic acid, which is acidic and polar, with alanine, which is neutral and non-polar, at codon 124 of the OCA2 protein (p.Glu124Ala). This variant is present in population databases (rs368106059, gnomAD 0.05%). This variant has not been reported in the literature in individuals affected with OCA2-related conditions. ClinVar contains an entry for this variant (Variation ID: 1475393). Invitae Evidence Modeling of protein sequence and biophysical properties (such as structural, functional, and spatial information, amino acid conservation, physicochemical variation, residue mobility, and thermodynamic stability) indicates that this missense variant is not expected to disrupt OCA2 protein function with a negative predictive value of 95%. In summary, the available evidence is currently insufficient to determine the role of this variant in disease. Therefore, it has been classified as a Variant of Uncertain Significance.

NM_000275.3(OCA2):c.371A>C (p.Glu124Ala)

Gene: OCA2 (OCA2 melanosomal transmembrane protein; minus strand). Cytogenetic location: 15q13.1.
Variant type: single nucleotide variant.
Coding change: c.371A>C on transcript NM_000275.3 (MANE Select); coding-DNA position 371, A replaced by C.
Protein change: p.Glu124Ala; replaces glutamic acid 124 with alanine.
Molecular consequence: missense variant.
Genome position (GRCh38, 1-based): chr15:28,028,015, T>G on the plus strand (A>C on the coding strand, the complement: OCA2 is on the minus strand). VCF-style: chr15-28028015-T-G. GRCh37 (hg19) VCF-style: chr15-28273161-T-G.
Other names: c.371A>C, p.Glu124Ala (NM_001300984.2); short protein forms E124A.
Identifiers: ClinVar variation 1475393 (VCV001475393.4), dbSNP rs368106059, ClinGen allele CA7439505.